The following is an entry in ClinVar:

NM_001165963.4(SCN1A):c.4357T>G (p.Tyr1453Asp)

Genes: SCN1A (sodium voltage-gated channel alpha subunit 1; minus strand), LOC102724058 (uncharacterized LOC102724058; plus strand). Cytogenetic location: 2q24.3.
Variant type: single nucleotide variant.
Coding change: c.4357T>G on transcript NM_001165963.4 (MANE Select); coding-DNA position 4357, T replaced by G.
Protein change: p.Tyr1453Asp; replaces tyrosine 1453 with aspartic acid.
Molecular consequence: missense variant. On other transcripts: non-coding transcript variant (1).
Genome position (GRCh38, 1-based): chr2:165,998,157, A>C on the plus strand (T>G on the coding strand, the complement: SCN1A is on the minus strand). VCF-style: chr2-165998157-A-C. GRCh37 (hg19) VCF-style: chr2-166854667-A-C.
Other names: c.4273T>G, p.Tyr1425Asp (NM_001165964.3, NM_001353957.2, NM_001353958.2); c.4357T>G, p.Tyr1453Asp (NM_001202435.3, NM_001353948.2); c.4324T>G, p.Tyr1442Asp (NM_001353949.2, NM_001353950.2, NM_001353951.2 and 2 more transcripts); c.4321T>G, p.Tyr1441Asp (NM_001353954.2, NM_001353955.2); c.4270T>G, p.Tyr1424Asp (NM_001353960.2); c.1915T>G, p.Tyr639Asp (NM_001353961.2); short protein forms Y1424D, Y1425D, Y1441D, Y1442D, Y1453D, Y639D.
Identifiers: ClinVar variation 1327141 (VCV001327141.2), dbSNP rs2105476794, ClinGen allele CA349049475.

ClinVar aggregate classification (germline): Likely pathogenic (1 of 4 stars; one submission).

Conditions:
Sudden unexplained death in childhood. Identifiers: MedGen C3827273, MONDO:1010117.

Submission:

Robert's Program, Boston Children's Hospital
Classification: Likely pathogenic for Sudden unexplained death in childhood. Last evaluated: 2021-10-01. Review status: criteria provided, single submitter. Criteria: ACMG Guidelines, 2015. Collection method: research. Allele origin: germline. Affected: yes.
Comment: We classify this variant as pathogenic using the following ACMG/AMP criteria: PS2, PM2